The following is an entry in ClinVar:

ClinVar aggregate classification (germline): Benign (1 of 4 stars; one submission).

Allele frequency attached by ClinVar (database versions not stated): gnomAD 0.02764 and 0.02971; TOPMed 0.03153; 1000 Genomes Project 0.03315; 1000 Genomes Project 30x 0.03498.
gnomAD v4.1: 7,150 of 1,143,326 alleles (0.63%); highest among the groups gnomAD compares: African/African-American, 9.6%; 317 homozygotes.

Submission:

GeneDx
Classification: Benign. Last evaluated: 2018-06-14. Review status: criteria provided, single submitter. Criteria: GeneDx Variant Classification (06012015). Collection method: clinical testing. Allele origin: germline. Affected: yes.
Comment: This variant is considered likely benign or benign based on one or more of the following criteria: it is a conservative change, it occurs at a poorly conserved position in the protein, it is predicted to be benign by multiple in silico algorithms, and/or has population frequency not consistent with disease.

NM_020297.4(ABCC9):c.4103-79A>G

Genes: ABCC9 (ATP binding cassette subfamily C member 9; minus strand), KCNJ8-AS1 (KCNJ8 antisense RNA 1; plus strand). Cytogenetic location: 12p12.1.
Variant type: single nucleotide variant.
Coding change: c.4103-79A>G on transcript NM_020297.4 (MANE Select); 79 bases into the intron before coding-DNA position 4103, A replaced by G.
Molecular consequence: intron variant.
Genome position (GRCh38, 1-based): chr12:21,812,236, T>C on the plus strand (A>G on the coding strand, the complement: ABCC9 is on the minus strand). VCF-style: chr12-21812236-T-C. GRCh37 (hg19) VCF-style: chr12-21965170-T-C.
Other names: c.3236-79A>G (NM_001377274.1); c.4103-79A>G (NM_005691.4, NM_001377273.1).
Identifiers: ClinVar variation 672438 (VCV000672438.1), dbSNP rs7966926, ClinGen allele CA233612503.
Genomic context (GRCh38, chr12:21,812,236, plus strand): 5'-AGTTACACACACATAGTAAAATCACAAGTAAAATAATATTTGTTTACAAATTGAAAGTTA[T>C]TTCTTAGTTAGGGGTTGAAATTCAGGAGACCCACTTTTCCATTTAAGCATGTGGTGATTC-3'